The following is an entry in ClinVar:

NM_006231.4(POLE):c.4959del (p.His1654fs)

Gene: POLE (DNA polymerase epsilon, catalytic subunit; minus strand). Cytogenetic location: 12q24.33.
Variant type: Deletion.
Coding change: c.4959del on transcript NM_006231.4 (MANE Select); coding-DNA position 4959, one base deleted (T; older notation c.4959delT).
Protein change: p.His1654fs; shifts the reading frame from histidine 1654.
Molecular consequence: frameshift variant.
Genome position (GRCh38, 1-based): chr12:132,642,391, A deleted on the plus strand (T on the coding strand, the reverse complement: POLE is on the minus strand); the first of 3 consecutive A bases (chr12:132,642,391-132,642,393); deleting any one gives the same sequence. VCF-style (leftmost placement, unchanged base first): chr12-132642390-GA-G. GRCh37 (hg19) VCF-style: chr12-133218976-GA-G.
Other names: short protein forms H1654fs.
Identifiers: ClinVar variation 647917 (VCV000647917.8), dbSNP rs1555222526, ClinGen allele CA915946814.

ClinVar aggregate classification (germline): Pathogenic (1 of 4 stars; one submission).

Submission:

Labcorp Genetics (formerly Invitae), Labcorp
Classification: Pathogenic. Last evaluated: 2022-06-09. Review status: criteria provided, single submitter. Criteria: Invitae Variant Classification Sherloc (09022015). Collection method: clinical testing. Allele origin: germline.
Comment: For these reasons, this variant has been classified as Pathogenic. ClinVar contains an entry for this variant (Variation ID: 647917). This variant has not been reported in the literature in individuals affected with POLE-related conditions. This variant is not present in population databases (gnomAD no frequency). This sequence change creates a premature translational stop signal (p.His1654Thrfs*107) in the POLE gene. It is expected to result in an absent or disrupted protein product. Loss-of-function variants in POLE are known to be pathogenic (PMID: 23230001, 25948378, 30503519).

Literature cited by the submitters: PubMed 23230001; PubMed 25948378; PubMed 30503519.